The following is an entry in ClinVar:

ClinVar aggregate classification (germline): Uncertain significance. Review status: criteria provided, multiple submitters, no conflicts (2 of 4 stars). 2 submissions from 2 submitters: Uncertain significance (2). Last evaluated 2024-09-05.

Conditions:
Hereditary nonpolyposis colorectal neoplasms. Identifiers: MedGen C0009405, MeSH D003123.

Allele frequency attached by ClinVar (database versions not stated): ExAC 0.00001.

Submissions (2):

Blueprint Genetics
Classification: Uncertain significance. Last evaluated: 2024-09-05. Review status: criteria provided, single submitter. Criteria: ACMG Guidelines, 2015. Collection method: clinical testing. Allele origin: germline.

Labcorp Genetics (formerly Invitae), Labcorp
Classification: Uncertain significance for Hereditary nonpolyposis colorectal neoplasms. Last evaluated: 2023-06-12. Review status: criteria provided, single submitter. Criteria: Invitae Variant Classification Sherloc (09022015). Collection method: clinical testing. Allele origin: germline.
Comment: In summary, the available evidence is currently insufficient to determine the role of this variant in disease. Therefore, it has been classified as a Variant of Uncertain Significance. Advanced modeling of protein sequence and biophysical properties (such as structural, functional, and spatial information, amino acid conservation, physicochemical variation, residue mobility, and thermodynamic stability) has been performed at Invitae for this missense variant, however the output from this modeling did not meet the statistical confidence thresholds required to predict the impact of this variant on MSH6 protein function. This variant has not been reported in the literature in individuals affected with MSH6-related conditions. This variant is present in population databases (rs757006198, gnomAD 0.0009%). This sequence change replaces glycine, which is neutral and non-polar, with arginine, which is basic and polar, at codon 571 of the MSH6 protein (p.Gly571Arg).

NM_000179.3(MSH6):c.1711G>C (p.Gly571Arg)

Gene: MSH6 (mutS homolog 6; plus strand). Cytogenetic location: 2p16.3.
Variant type: single nucleotide variant.
Coding change: c.1711G>C on transcript NM_000179.3 (MANE Select); coding-DNA position 1711, G replaced by C.
Protein change: p.Gly571Arg; replaces glycine 571 with arginine.
Molecular consequence: missense variant. On other transcripts: non-coding transcript variant (4), intron variant (2).
Genome position (GRCh38, 1-based): chr2:47,799,694, G>C. VCF-style: chr2-47799694-G-C. GRCh37 (hg19) VCF-style: chr2-48026833-G-C.
Other names: c.1321G>C, p.Gly441Arg (NM_001281492.2); c.805G>C, p.Gly269Arg (NM_001281493.2, NM_001281494.2, NM_001406811.1 and 6 more transcripts); c.1807G>C, p.Gly603Arg (NM_001406795.1, NM_001406802.1); c.1711G>C, p.Gly571Arg (NM_001406796.1, NM_001406798.1, NM_001406800.1 and 3 more transcripts); c.1414G>C, p.Gly472Arg (NM_001406797.1, NM_001406801.1, NM_001406805.1 and 10 more transcripts); c.1186G>C, p.Gly396Arg (NM_001406799.1, NM_001406806.1, NM_001406807.1); c.1633G>C, p.Gly545Arg (NM_001406804.1); c.1717G>C, p.Gly573Arg (NM_001406813.1); and 3 more; short protein forms G573R, G515R, G545R, G269R, G441R, G472R, G396R, G571R.
Identifiers: ClinVar variation 2710370 (VCV002710370.4), dbSNP rs757006198, ClinGen allele CA068053.
Genomic context (GRCh38, chr2:47,799,694, plus strand): 5'-GGCCATACTCGTGCATATGGTGTGTGCTTTGTTGATACTTCACTGGGAAAGTTTTTCATA[G>C]GTCAGTTTTCAGATGATCGCCATTGTTCGAGATTTAGGACTCTAGTGGCACACTATCCCC-3'
Protein context (NP_000170.1, residues 561-581): VDTSLGKFFI[Gly571Arg]QFSDDRHCSR